The following is an entry in ClinVar:

NM_004606.5(TAF1):c.1315C>T (p.Pro439Ser)

Gene: TAF1 (TATA-box binding protein associated factor 1; plus strand). Cytogenetic location: Xq13.1.
Variant type: single nucleotide variant.
Coding change: c.1315C>T on transcript NM_004606.5 (MANE Select); coding-DNA position 1315, C replaced by T.
Protein change: p.Pro439Ser; replaces proline 439 with serine.
Molecular consequence: missense variant. On other transcripts: non-coding transcript variant (9).
Genome position (GRCh38, 1-based): chrX:71,378,986, C>T. VCF-style: chrX-71378986-C-T. GRCh37 (hg19) VCF-style: chrX-70598836-C-T.
Other names: c.1315C>T, p.Pro439Ser (NM_001286074.2); c.1252C>T, p.Pro418Ser (NM_138923.4); c.1375C>T (NM_004606.4); short protein forms P418S, P439S.
Identifiers: ClinVar variation 3777195 (VCV003777195.1).

ClinVar aggregate classification (germline): Uncertain significance (1 of 4 stars; one submission).

Conditions:
Intellectual developmental disorder, X-linked, syndromic 33. Also called: Intellectual disability, X-linked, syndromic 33; X-linked intellectual disability-global development delay-facial dysmorphism-sacral caudal remnant syndrome. Identifiers: Orphanet 480907, MedGen C4225418, MONDO:0010500, OMIM 300966.

Submission:

University of Washington Department of Laboratory Medicine, University of Washington
Classification: Uncertain significance for Intellectual developmental disorder, X-linked, syndromic 33. Last evaluated: 2022-12-27. Review status: criteria provided, single submitter. Criteria: ACMG Guidelines, 2015. Collection method: clinical testing. Allele origin: de novo. Affected: yes.
Comment: This variant was absent from large population databases, including the Genome Aggregation Database. The TAF1 gene has fewer missense variants in the general population than expected. A low rate of missense variation may suggest that this gene is intolerant to missense variation. Using ACMG guidelines, this variant was classified as a variant of uncertain significance (ACMG evidence codes used: PS2_supporting, PM2_supporting, PP2).